The following is an entry in ClinVar:

ClinVar aggregate classification (germline): Uncertain significance. Review status: criteria provided, multiple submitters, no conflicts (2 of 4 stars). 4 submissions from 3 submitters: Uncertain significance (4). Last evaluated 2025-08-06.

Conditions:
RASopathy. Also called: rasopathies; Noonan spectrum disorder. Identifiers: Orphanet 536391, MedGen C5555857, MONDO:0021060.
Primary dilated cardiomyopathy (DCM). Also called: Dilated Cardiomyopathy. Identifiers: Orphanet 217604, MedGen C0007193, MeSH D002311, MONDO:0005021, HP:0001644. Inheritance: Various modes of inheritance.
Fibromatosis, gingival, 1 (GINGF1). Identifiers: Orphanet 2024, MedGen C4551558, MONDO:0007609, OMIM 135300.
Noonan syndrome 4 (NS4). Also called: NOONAN SYNDROME WITH PIGMENTED VILLONODULAR SYNOVITIS; SOS1-Related Noonan Syndrome. Identifiers: Orphanet 648, MedGen C1853120, MONDO:0012547, OMIM 610733.

Submissions (4):

Labcorp Genetics (formerly Invitae), Labcorp
Classification: Uncertain significance for RASopathy. Last evaluated: 2025-08-06. Review status: criteria provided, single submitter. Criteria: Invitae Variant Classification Sherloc (09022015). Collection method: clinical testing. Allele origin: germline.
Comment: This variant, c.3842_3844dup, results in the insertion of 1 amino acid(s) of the SOS1 protein (p.Glu1281dup), but otherwise preserves the integrity of the reading frame. This variant is present in population databases (no rsID available, gnomAD 0.0009%). This variant has been observed in individual(s) with pediatric onset dilated cardiomyopathy (PMID: 31568572). This variant is also known as c.3841_3843dup. Experimental studies and prediction algorithms are not available or were not evaluated, and the functional significance of this variant is currently unknown. In summary, the available evidence is currently insufficient to determine the role of this variant in disease. Therefore, it has been classified as a Variant of Uncertain Significance.

Klaassen Lab, Charite University Medicine Berlin
Classification: Uncertain significance for Primary dilated cardiomyopathy. Last evaluated: 2019-07-03. Review status: criteria provided, single submitter. Criteria: ACMG Guidelines, 2015. Collection method: research. Allele origin: germline. Affected: yes.

Genome-Nilou Lab
Classification: Uncertain significance for Noonan syndrome 4. Review status: criteria provided, single submitter. Criteria: ACMG Guidelines, 2015. Collection method: clinical testing. Allele origin: germline.

Genome-Nilou Lab
Classification: Uncertain significance for Fibromatosis, gingival, 1. Review status: criteria provided, single submitter. Criteria: ACMG Guidelines, 2015. Collection method: clinical testing. Allele origin: germline.

Literature cited by the submitters: PubMed 31568572 (cited by Labcorp Genetics (formerly Invitae), Labcorp and Klaassen Lab, Charite University Medicine Berlin); PubMed 31333075 (cited by Klaassen Lab, Charite University Medicine Berlin).

NM_005633.4(SOS1):c.3839AAG[3] (p.Glu1281dup)

Gene: SOS1 (SOS Ras/Rac guanine nucleotide exchange factor 1; minus strand). Cytogenetic location: 2p22.1.
Variant type: Microsatellite.
Coding change: c.3839AAG[3] on transcript NM_005633.4 (MANE Select); three copies in a row of the 3-base unit AAG starting at c.3839; the reference has two copies in a row; one copy, 3 bases duplicated.
Protein change: p.Glu1281dup; duplicates glutamic acid 1281.
Molecular consequence: inframe insertion.
Genome position (GRCh38, 1-based): chr2:38,985,982-38,985,984, CTT duplicated on the plus strand (AAG on the coding strand, the reverse complement: SOS1 is on the minus strand); duplicating any 3 consecutive bases within chr2:38,985,982-38,985,987 gives the same sequence; the position shown is the placement nearest the transcript's 3' end. VCF-style (leftmost placement, unchanged base first): chr2-38985981-A-ACTT. GRCh37 (hg19) VCF-style: chr2-39213122-A-ACTT.
Other names: c.3842_3844dupAAG (NM_005633.3); c.3818AAG[3], p.Glu1274dup (NM_001382394.1); c.3794AAG[3], p.Glu1266dup (NM_001382395.1).
Identifiers: ClinVar variation 691808 (VCV000691808.11), dbSNP rs1175436231, ClinGen allele CA532237751.
Genomic context (GRCh38, chr2:38,985,981, plus strand): 5'-ATATGTTGAGAAGTGCTTTGTCGTGGAGGAACAGGCGGCCCAGCAATGGAATGAAGGTCC[A>ACTT]CTTCTTGTGTCAATGGTGGTGATGGCAGATGCCTTCTTGTGCCGTGAGGAGAAGGTGTTT-3'